The following is an entry in ClinVar:

ClinVar aggregate classification (germline): Uncertain significance. Review status: criteria provided, single submitter (1 of 4 stars). 2 submissions from 2 submitters: Uncertain significance (1). 1 of the submissions does not count toward it. Last evaluated 2020-12-25.

Conditions:
Hereditary insensitivity to pain with anhidrosis (CIPA). Also called: HSAN Type IV; hereditary sensory and autonomic neuropathy type 4; INSENSITIVITY TO PAIN, CONGENITAL, WITH ANHIDROSIS; NEUROPATHY, CONGENITAL SENSORY, WITH ANHIDROSIS; NTRK1 Congenital Insensitivity to Pain with Anhidrosis; FAMILIAL DYSAUTONOMIA, TYPE II. Identifiers: Orphanet 642, MedGen C0020074, MONDO:0009746, OMIM 256800.

gnomAD v4.1: 1 of 1,611,384 alleles (0.000062%); highest among the groups gnomAD compares: Non-Finnish European, 0.000085%; no homozygotes.

Submissions (2):

Labcorp Genetics (formerly Invitae), Labcorp
Classification: Uncertain significance for Hereditary insensitivity to pain with anhidrosis. Last evaluated: 2020-12-25. Review status: criteria provided, single submitter. Criteria: Invitae Variant Classification Sherloc (09022015). Collection method: clinical testing. Allele origin: germline.
Comment: In summary, the available evidence is currently insufficient to determine the role of this variant in disease. Therefore, it has been classified as a Variant of Uncertain Significance. Algorithms developed to predict the effect of missense changes on protein structure and function (SIFT, PolyPhen-2, Align-GVGD) all suggest that this variant is likely to be disruptive, but these predictions have not been confirmed by published functional studies and their clinical significance is uncertain. This variant has not been reported in the literature in individuals with NTRK1-related conditions. This variant is not present in population databases (ExAC no frequency). This sequence change replaces aspartic acid with valine at codon 306 of the NTRK1 protein (p.Asp306Val). The aspartic acid residue is highly conserved and there is a large physicochemical difference between aspartic acid and valine.

Natera, Inc.
Classification: Uncertain significance for Hereditary insensitivity to pain with anhidrosis. Last evaluated: 2020-10-10. Review status: no assertion criteria provided. Collection method: clinical testing. Allele origin: germline. Not counted in ClinVar's aggregate classification.

NM_002529.4(NTRK1):c.917A>T (p.Asp306Val)

Gene: NTRK1 (neurotrophic receptor tyrosine kinase 1; plus strand). Cytogenetic location: 1q23.1.
Variant type: single nucleotide variant.
Coding change: c.917A>T on transcript NM_002529.4 (MANE Select); coding-DNA position 917, A replaced by T.
Protein change: p.Asp306Val; replaces aspartic acid 306 with valine.
Molecular consequence: missense variant.
Genome position (GRCh38, 1-based): chr1:156,873,699, A>T. VCF-style: chr1-156873699-A-T. GRCh37 (hg19) VCF-style: chr1-156843491-A-T.
Other names: c.827A>T, p.Asp276Val (NM_001007792.1); c.917A>T, p.Asp306Val (NM_001012331.2); short protein forms D276V, D306V.
Identifiers: ClinVar variation 1035754 (VCV001035754.11), dbSNP rs1647704858, ClinGen allele CA342935708.